The following is an entry in ClinVar:

ClinVar aggregate classification (germline): Uncertain significance (1 of 4 stars; one submission).

Allele frequency attached by ClinVar (database versions not stated): TOPMed below 0.00001.

Submission:

Labcorp Genetics (formerly Invitae), Labcorp
Classification: Uncertain significance. Last evaluated: 2024-04-25. Review status: criteria provided, single submitter. Criteria: Invitae Variant Classification Sherloc (09022015). Collection method: clinical testing. Allele origin: germline.
Comment: This sequence change replaces histidine, which is basic and polar, with arginine, which is basic and polar, at codon 152 of the RGR protein (p.His152Arg). This variant is present in population databases (no rsID available, gnomAD 0.0009%). This variant has not been reported in the literature in individuals affected with RGR-related conditions. ClinVar contains an entry for this variant (Variation ID: 1460703). Algorithms developed to predict the effect of missense changes on protein structure and function output the following: SIFT: "Not Available"; PolyPhen-2: "Not Available"; Align-GVGD: "Not Available". The arginine amino acid residue is found in multiple mammalian species, which suggests that this missense change does not adversely affect protein function. In summary, the available evidence is currently insufficient to determine the role of this variant in disease. Therefore, it has been classified as a Variant of Uncertain Significance.

NM_001012720.2(RGR):c.455A>G (p.His152Arg)

Gene: RGR (retinal G protein coupled receptor; plus strand). Cytogenetic location: 10q23.1.
Variant type: single nucleotide variant.
Coding change: c.455A>G on transcript NM_001012720.2 (MANE Select); coding-DNA position 455, A replaced by G.
Protein change: p.His152Arg; replaces histidine 152 with arginine.
Molecular consequence: missense variant.
Genome position (GRCh38, 1-based): chr10:84,252,953, A>G. VCF-style: chr10-84252953-A-G. GRCh37 (hg19) VCF-style: chr10-86012709-A-G.
Other names: c.455A>G, p.His152Arg (NM_001012722.2); c.467A>G, p.His156Arg (NM_002921.4); short protein forms H152R, H156R.
Identifiers: ClinVar variation 1460703 (VCV001460703.8), dbSNP rs1228165666, ClinGen allele CA377391629.